The following is an entry in ClinVar:

ClinVar aggregate classification (germline): Likely benign. Review status: criteria provided, multiple submitters, no conflicts (2 of 4 stars). 4 submissions from 4 submitters: Likely benign (3). 1 of the submissions does not count toward it. Last evaluated 2025-04-21.

Conditions:
Hereditary cancer-predisposing syndrome. Also called: Hereditary Cancer Syndrome; Hereditary neoplastic syndrome; Neoplastic Syndromes, Hereditary; Tumor predisposition. Identifiers: Orphanet 140162, MedGen C0027672, MeSH D009386, MONDO:0015356.
Familial cancer of breast. Also called: hereditary breast carcinoma; BREAST CANCER, FAMILIAL; Hereditary breast cancer. Identifiers: Orphanet 227535, MedGen C0346153, MONDO:0016419, OMIM 114480. Disease mechanism: loss of function.
Fanconi anemia complementation group J. Also called: BRIP1-Related Fanconi Anemia. Identifiers: Orphanet 84, MedGen C1836860, MONDO:0012187, OMIM 609054.

gnomAD v4.1: 1 of 1,614,172 alleles (0.000062%); highest among the groups gnomAD compares: East Asian, 0.0022%; no homozygotes.

Submissions (4):

Ambry Genetics
Classification: Likely benign for Hereditary cancer-predisposing syndrome. Last evaluated: 2025-04-21. Review status: criteria provided, single submitter. Criteria: Ambry Variant Classification Scheme 2023. Collection method: clinical testing. Allele origin: germline.

Labcorp Genetics (formerly Invitae), Labcorp
Classification: Likely benign for Familial cancer of breast; Fanconi anemia complementation group J. Last evaluated: 2022-10-18. Review status: criteria provided, single submitter. Criteria: Invitae Variant Classification Sherloc (09022015). Collection method: clinical testing. Allele origin: germline.

Color Diagnostics, LLC DBA Color Health
Classification: Likely benign for Hereditary cancer-predisposing syndrome. Last evaluated: 2019-05-07. Review status: criteria provided, single submitter. Criteria: ACMG Guidelines, 2015. Collection method: clinical testing. Allele origin: germline.

Leiden Open Variation Database
Classification: Uncertain significance. Last evaluated: 2019-08-13. Review status: no assertion criteria provided. Collection method: curation. Allele origin: germline. Affected: yes. Not counted in ClinVar's aggregate classification.
Comment: Curator: Arleen D. Auerbach. Submitter to LOVD: Yukihide Momozawa.

Literature cited by the submitters: PubMed 31214711 (cited by Leiden Open Variation Database).

NM_032043.3(BRIP1):c.2091T>C (p.Ser697=)

Gene: BRIP1 (BRCA1 interacting DNA helicase 1; minus strand). Cytogenetic location: 17q23.2.
Variant type: single nucleotide variant.
Coding change: c.2091T>C on transcript NM_032043.3 (MANE Select); coding-DNA position 2091, T replaced by C.
Protein change: p.Ser697=; no amino-acid change (serine 697 retained).
Molecular consequence: synonymous variant.
Genome position (GRCh38, 1-based): chr17:61,776,407, A>G on the plus strand (T>C on the coding strand, the complement: BRIP1 is on the minus strand). VCF-style: chr17-61776407-A-G. GRCh37 (hg19) VCF-style: chr17-59853768-A-G.
Identifiers: ClinVar variation 924653 (VCV000924653.9), dbSNP rs2077532892, ClinGen allele CA501150122.
Genomic context (GRCh38, chr17:61,776,407, plus strand): 5'-TTTAAAATGTAAATGATTATTTAAAGGCAAAAGAAACAATAAATATTCCCTTACCTTGTA[A>G]GATGGCAAGAAACACAAAATTCCTTGGCTCACAGTCTGGCACACAGATAACAAAAGTGCT-3'
Protein context (NP_114432.2, residues 687-707): VSQGILCFLP[Ser697=]YKLLEKLKER